The following is an entry in ClinVar:

NM_001232.4(CASQ2):c.540G>A (p.Lys180=)

Gene: CASQ2 (calsequestrin 2; minus strand). Cytogenetic location: 1p13.1.
Variant type: single nucleotide variant.
Coding change: c.540G>A on transcript NM_001232.4 (MANE Select); coding-DNA position 540, G replaced by A.
Protein change: p.Lys180=; no amino-acid change (lysine 180 retained).
Molecular consequence: synonymous variant.
Genome position (GRCh38, 1-based): chr1:115,732,967, C>T on the plus strand (G>A on the coding strand, the complement: CASQ2 is on the minus strand). VCF-style: chr1-115732967-C-T. GRCh37 (hg19) VCF-style: chr1-116275588-C-T.
Identifiers: ClinVar variation 178010 (VCV000178010.23), dbSNP rs72554057, ClinGen allele CA181171.

ClinVar aggregate classification (germline): Likely benign. Review status: criteria provided, multiple submitters, no conflicts (2 of 4 stars). 11 submissions from 11 submitters: Likely benign (9). 2 of the submissions do not count toward it. Last evaluated 2026-01-24.

Conditions:
Cardiovascular phenotype. Identifiers: MedGen CN230736.
Cardiomyopathy (CMYO). Also called: Cardiomyopathies. Identifiers: Orphanet 167848, MedGen C0878544, MONDO:0004994, HP:0001638. Inheritance: Various modes of inheritance.
Catecholaminergic polymorphic ventricular tachycardia 2. Also called: VENTRICULAR TACHYCARDIA, STRESS-INDUCED POLYMORPHIC 2; CASQ2-Related Catecholaminergic Polymorphic Ventricular Tachycardia. Identifiers: Orphanet 3286, MedGen C2677794, MONDO:0012762, OMIM 611938.
Catecholaminergic polymorphic ventricular tachycardia 1. Also called: VENTRICULAR TACHYCARDIA, STRESS-INDUCED POLYMORPHIC 1; VENTRICULAR TACHYCARDIA, CATECHOLAMINERGIC POLYMORPHIC, 1, WITH OR WITHOUT ATRIAL DYSFUNCTION AND/OR DILATED CARDIOMYOPATHY; RYR2-Related Catecholaminergic Polymorphic Ventricular Tachycardia. Identifiers: Orphanet 3286, MedGen C1631597, MONDO:0011484, OMIM 604772.

Allele frequency attached by ClinVar (database versions not stated): ExAC 0.00006; TOPMed 0.00006; ESP Exome Variant Server 0.00008; gnomAD exomes 0.00009 and 0.00017; gnomAD 0.00011; 1000 Genomes Project 30x 0.00016; 1000 Genomes Project 0.00020.
gnomAD v4.1: 265 of 1,612,486 alleles (0.016%); highest among the groups gnomAD compares: Non-Finnish European, 0.021%; 1 homozygote.

Submissions (11):

Labcorp Genetics (formerly Invitae), Labcorp
Classification: Likely benign for Catecholaminergic polymorphic ventricular tachycardia 1. Last evaluated: 2026-01-24. Review status: criteria provided, single submitter. Criteria: Invitae Variant Classification Sherloc (09022015). Collection method: clinical testing. Allele origin: germline.

Molecular Diagnostic Laboratory for Inherited Cardiovascular Disease, Montreal Heart Institute
Classification: Likely benign. Last evaluated: 2025-04-09. Review status: criteria provided, single submitter. Criteria: ACMG Guidelines, 2015. Collection method: clinical testing. Allele origin: germline. Affected: no.
Comment: BP7

Women's Health and Genetics/Laboratory Corporation of America, LabCorp
Classification: Likely benign. Last evaluated: 2024-10-27. Review status: criteria provided, single submitter. Criteria: LabCorp Variant Classification Summary - May 2015. Collection method: clinical testing. Allele origin: germline.

Blueprint Genetics
Classification: Likely benign. Last evaluated: 2024-10-18. Review status: criteria provided, single submitter. Criteria: ACMG Guidelines, 2015. Collection method: clinical testing. Allele origin: germline.

Genome-Nilou Lab
Classification: Likely benign for Catecholaminergic polymorphic ventricular tachycardia 2. Last evaluated: 2023-04-11. Review status: criteria provided, single submitter. Criteria: ACMG Guidelines, 2015. Collection method: clinical testing. Allele origin: germline. Affected: no.

GeneDx
Classification: Likely benign. Last evaluated: 2020-12-16. Review status: criteria provided, single submitter. Criteria: GeneDx Variant Classification Process June 2021. Collection method: clinical testing. Allele origin: germline. Affected: yes.

Ambry Genetics
Classification: Likely benign for Cardiovascular phenotype. Last evaluated: 2020-12-08. Review status: criteria provided, single submitter. Criteria: Ambry Variant Classification Scheme 2023. Collection method: clinical testing. Allele origin: germline.

CHEO Genetics Diagnostic Laboratory, Children's Hospital of Eastern Ontario
Classification: Likely benign for Cardiomyopathy. Last evaluated: 2020-11-24. Review status: criteria provided, single submitter. Criteria: ACMG Guidelines, 2015. Collection method: clinical testing. Allele origin: germline.

Laboratory for Molecular Medicine, Mass General Brigham Personalized Medicine
Classification: Likely benign. Last evaluated: 2012-03-19. Review status: criteria provided, single submitter. Criteria: LMM Criteria. Collection method: clinical testing. Allele origin: germline. Observed: 1 variant allele.
Comment: Lys180Lys in exon 5 of CASQ2: This variant is not expected to have clinical sign ificance because it does not alter an amino acid residue, is not located within the splice consensus sequence. It has been identified in 0.3% (1/312) of chromos omes from a population in the dbSNP database (ts/SNP; rs72554057). Lys180Lys in exon 5 of CASQ2 (rs72554057; allele frequency = 0.3%, 1/312) **

Clinical Genetics DNA and cytogenetics Diagnostics Lab, Erasmus MC, Erasmus Medical Center
Classification: Likely benign. Review status: no assertion criteria provided. Collection method: clinical testing. Allele origin: germline. Affected: yes. Study: VKGL Data-share Consensus. Not counted in ClinVar's aggregate classification.

Genome Diagnostics Laboratory, University Medical Center Utrecht
Classification: Likely benign. Review status: no assertion criteria provided. Collection method: clinical testing. Allele origin: germline. Affected: yes. Study: VKGL Data-share Consensus. Not counted in ClinVar's aggregate classification.